The following is an entry in ClinVar:

ClinVar aggregate classification (germline): Conflicting classifications of pathogenicity. Review status: criteria provided, conflicting classifications (1 of 4 stars). 3 submissions from 3 submitters: Uncertain significance (2); Likely benign (1). Last evaluated 2026-01-24.

Conditions:
Hereditary cancer-predisposing syndrome. Also called: Neoplastic Syndromes, Hereditary; Tumor predisposition; Hereditary Cancer Syndrome; Hereditary neoplastic syndrome. Identifiers: Orphanet 140162, MedGen C0027672, MeSH D009386, MONDO:0015356.
Patterned macular dystrophy 2. Identifiers: Orphanet 99001, MedGen C1837029, MONDO:0012162, OMIM 608970.

Allele frequency attached by ClinVar (database versions not stated): TOPMed below 0.00001; ExAC 0.00001; gnomAD exomes 0.00001.
gnomAD v4.1: 4 of 1,614,220 alleles (0.00025%); highest among the groups gnomAD compares: Admixed American, 0.005%; no homozygotes.

Submissions (3):

Labcorp Genetics (formerly Invitae), Labcorp
Classification: Uncertain significance. Last evaluated: 2026-01-24. Review status: criteria provided, single submitter. Criteria: Invitae Variant Classification Sherloc (09022015). Collection method: clinical testing. Allele origin: germline.
Comment: This sequence change replaces methionine, which is neutral and non-polar, with valine, which is neutral and non-polar, at codon 484 of the CTNNA1 protein (p.Met484Val). This variant is present in population databases (rs750470900, gnomAD 0.006%). This missense change has been observed in individual(s) with clinical features of autosomal dominant butterfly-shaped pigmentary macular dystrophy (internal data). ClinVar contains an entry for this variant (Variation ID: 653094). Invitae Evidence Modeling of protein sequence and biophysical properties (such as structural, functional, and spatial information, amino acid conservation, physicochemical variation, residue mobility, and thermodynamic stability) indicates that this missense variant is expected to disrupt CTNNA1 protein function with a positive predictive value of 80%. In summary, the available evidence is currently insufficient to determine the role of this variant in disease. Therefore, it has been classified as a Variant of Uncertain Significance.

Ambry Genetics
Classification: Likely benign for Hereditary cancer-predisposing syndrome. Last evaluated: 2023-08-07. Review status: criteria provided, single submitter. Criteria: Ambry Variant Classification Scheme 2023. Collection method: clinical testing. Allele origin: germline.

Baylor Genetics
Classification: Uncertain significance for Patterned macular dystrophy 2. Last evaluated: 2023-06-23. Review status: criteria provided, single submitter. Criteria: ACMG Guidelines, 2015. Collection method: clinical testing. Allele origin: unknown.

NM_001903.5(CTNNA1):c.1450A>G (p.Met484Val)

Gene: CTNNA1 (catenin alpha 1; plus strand). Cytogenetic location: 5q31.2.
Variant type: single nucleotide variant.
Coding change: c.1450A>G on transcript NM_001903.5 (MANE Select); coding-DNA position 1450, A replaced by G.
Protein change: p.Met484Val; replaces methionine 484 with valine.
Molecular consequence: missense variant. On other transcripts: initiator codon variant (5).
Genome position (GRCh38, 1-based): chr5:138,917,802, A>G. VCF-style: chr5-138917802-A-G. GRCh37 (hg19) VCF-style: chr5-138253491-A-G.
Other names: c.1450A>G, p.Met484Val (NM_001290307.3, NM_001323982.2, NM_001323983.1 and 2 more transcripts); c.1141A>G, p.Met381Val (NM_001290309.3); c.1081A>G, p.Met361Val (NM_001290310.3); c.340A>G, p.Met114Val (NM_001290312.1, NM_001323987.1, NM_001323988.1 and 17 more transcripts); c.1357A>G, p.Met453Val (NM_001323986.2); c.1A>G, p.Met1Val (NM_001324006.1, NM_001324007.1, NM_001324008.1 and 2 more transcripts); c.247A>G, p.Met83Val (NM_001324011.1); c.97A>G, p.Met33Val (NM_001324012.1, NM_001324013.1); and 1 more; short protein forms M33V, M361V, M381V, M453V, M83V, M114V, M1V, M484V.
Identifiers: ClinVar variation 653094 (VCV000653094.14), dbSNP rs750470900, ClinGen allele CA3431956.